The following is an entry in ClinVar:

NM_032634.4(PIGO):c.3141-9T>A

Gene: PIGO (phosphatidylinositol glycan anchor biosynthesis class O; minus strand). Cytogenetic location: 9p13.3.
Variant type: single nucleotide variant.
Coding change: c.3141-9T>A on transcript NM_032634.4 (MANE Select); 9 bases into the intron before coding-DNA position 3141, T replaced by A.
Molecular consequence: intron variant.
Genome position (GRCh38, 1-based): chr9:35,089,230, A>T on the plus strand (T>A on the coding strand, the complement: PIGO is on the minus strand). VCF-style: chr9-35089230-A-T. GRCh37 (hg19) VCF-style: chr9-35089227-A-T.
Other names: c.1890-9T>A (NM_152850.4, NM_001201484.2).
Identifiers: ClinVar variation 507051 (VCV000507051.20), dbSNP rs374227554, ClinGen allele CA5040224.

ClinVar aggregate classification (germline): Conflicting classifications of pathogenicity. Review status: criteria provided, conflicting classifications (1 of 4 stars). 3 submissions from 3 submitters: Uncertain significance (2); Likely benign (1). Last evaluated 2025-01-27.

Conditions:
Hyperphosphatasia with impaired intellectual development syndrome 2. Also called: GLYCOSYLPHOSPHATIDYLINOSITOL BIOSYNTHESIS DEFECT 6; Hyperphosphatasia with intellectual disability syndrome 2. Identifiers: Orphanet 247262, MedGen C3553637, MONDO:0013882, OMIM 614749.

Allele frequency attached by ClinVar (database versions not stated): ExAC 0.00008; ESP Exome Variant Server 0.00031; 1000 Genomes Project 0.00060; 1000 Genomes Project 30x 0.00047; TOPMed 0.00025.
gnomAD v4.1: 56 of 1,614,222 alleles (0.0035%); highest among the groups gnomAD compares: African/African-American, 0.067%; no homozygotes.

Submissions (3):

Labcorp Genetics (formerly Invitae), Labcorp
Classification: Likely benign for Hyperphosphatasia with impaired intellectual development syndrome 2. Last evaluated: 2025-01-27. Review status: criteria provided, single submitter. Criteria: Invitae Variant Classification Sherloc (09022015). Collection method: clinical testing. Allele origin: germline.

GeneDx
Classification: Uncertain significance. Last evaluated: 2023-05-25. Review status: criteria provided, single submitter. Criteria: GeneDx Variant Classification Process June 2021. Collection method: clinical testing. Allele origin: germline. Affected: yes.
Comment: In-silico analysis is inconclusive as to whether the variant alters gene splicing. In the absence of RNA/functional studies, the actual effect of this sequence change is unknown.; Has not been previously published as pathogenic or benign to our knowledge

Illumina Laboratory Services, Illumina
Classification: Uncertain significance for Hyperphosphatasia with impaired intellectual development syndrome 2. Last evaluated: 2018-01-13. Review status: criteria provided, single submitter. Criteria: ICSL Variant Classification Criteria 13 December 2019. Collection method: clinical testing. Allele origin: germline.